The following is an entry in ClinVar:

ClinVar aggregate classification (germline): Likely benign (1 of 4 stars; one submission).

gnomAD v4.1: 11 of 1,613,820 alleles (0.00068%); highest among the groups gnomAD compares: Non-Finnish European, 0.00085%; no homozygotes.

Submission:

Molecular Diagnostic Laboratory for Inherited Cardiovascular Disease, Montreal Heart Institute
Classification: Likely benign. Last evaluated: 2025-04-09. Review status: criteria provided, single submitter. Criteria: ACMG Guidelines, 2015. Collection method: clinical testing. Allele origin: germline. Affected: no.
Comment: BP1

NM_001267550.2(TTN):c.103820C>T (p.Pro34607Leu)

Genes: TTN (titin; minus strand), TTN-AS1 (TTN antisense RNA 1; plus strand). Cytogenetic location: 2q31.2.
Variant type: single nucleotide variant.
Coding change: c.103820C>T on transcript NM_001267550.2 (MANE Select); coding-DNA position 103820, C replaced by T.
Protein change: p.Pro34607Leu; replaces proline 34607 with leucine.
Molecular consequence: missense variant.
Genome position (GRCh38, 1-based): chr2:178,532,795, G>A on the plus strand (C>T on the coding strand, the complement: TTN is on the minus strand). VCF-style: chr2-178532795-G-A. GRCh37 (hg19) VCF-style: chr2-179397522-G-A.
Other names: c.98897C>T, p.Pro32966Leu (NM_001256850.1); c.76625C>T, p.Pro25542Leu (NM_003319.4); c.96116C>T, p.Pro32039Leu (NM_133378.4); c.77000C>T, p.Pro25667Leu (NM_133432.3); c.77201C>T, p.Pro25734Leu (NM_133437.4); short protein forms P25542L, P25667L, P25734L, P32039L, P32966L, P34607L.
Identifiers: ClinVar variation 3895287 (VCV003895287.1), dbSNP rs370096570.